The following is an entry in ClinVar:

NM_000051.4(ATM):c.6780A>C (p.Ile2260=)

Genes: ATM (ATM serine/threonine kinase; plus strand), C11orf65 (chromosome 11 open reading frame 65; minus strand). Cytogenetic location: 11q22.3.
Variant type: single nucleotide variant.
Coding change: c.6780A>C on transcript NM_000051.4 (MANE Select); coding-DNA position 6780, A replaced by C.
Protein change: p.Ile2260=; no amino-acid change (isoleucine 2260 retained).
Molecular consequence: synonymous variant. On other transcripts: intron variant (2).
Genome position (GRCh38, 1-based): chr11:108,325,517, A>C. VCF-style: chr11-108325517-A-C. GRCh37 (hg19) VCF-style: chr11-108196244-A-C.
Other names: c.6780A>C, p.Ile2260= (NM_001351834.2); c.641-16446T>G (NM_001330368.2); c.*38+9703T>G (NM_001351110.2).
Identifiers: ClinVar variation 3253764 (VCV003253764.1), dbSNP rs1555119325.

ClinVar aggregate classification (germline): Benign (1 of 4 stars; one submission).

Conditions:
Familial cancer of breast. Also called: hereditary breast carcinoma; BREAST CANCER, FAMILIAL; Hereditary breast cancer. Identifiers: Orphanet 227535, MedGen C0346153, MONDO:0016419, OMIM 114480. Disease mechanism: loss of function.

Submission:

Myriad Genetics, Inc.
Classification: Benign for Familial cancer of breast. Last evaluated: 2024-06-10. Review status: criteria provided, single submitter. Criteria: Myriad Autosomal Dominant, Autosomal Recessive and X-Linked Classification Criteria (2023). Collection method: clinical testing. Allele origin: unknown.
Comment: This variant is considered benign. This variant is a silent/synonymous amino acid change and it is not expected to impact splicing.